The following is an entry in ClinVar:

ClinVar aggregate classification (germline): Pathogenic (1 of 4 stars; one submission).

Conditions:
Congenital muscular dystrophy due to integrin alpha-7 deficiency. Also called: MYOPATHY, CONGENITAL, DUE TO INTEGRIN ALPHA-7 DEFICIENCY; Congenital muscular dystrophy with integrin alpha-7 deficiency; Muscular dystrophy, congenital, due to ITGA7 deficiency. Identifiers: Orphanet 34520, MedGen C2750786, MONDO:0013177, OMIM 613204.

Submission:

Labcorp Genetics (formerly Invitae), Labcorp
Classification: Pathogenic for Congenital muscular dystrophy due to integrin alpha-7 deficiency. Last evaluated: 2025-09-08. Review status: criteria provided, single submitter. Criteria: Invitae Variant Classification Sherloc (09022015). Collection method: clinical testing. Allele origin: germline.
Comment: This sequence change creates a premature translational stop signal (p.Gln83Serfs*14) in the ITGA7 gene. It is expected to result in an absent or disrupted protein product. Loss-of-function variants in ITGA7 are known to be pathogenic (PMID: 9590299). This variant is not present in population databases (gnomAD no frequency). This variant has not been reported in the literature in individuals affected with ITGA7-related conditions. For these reasons, this variant has been classified as Pathogenic.

Literature cited by the submitters: PubMed 9590299.

NM_002206.3(ITGA7):c.246del (p.Gln83fs)

Gene: ITGA7 (integrin subunit alpha 7; minus strand). Cytogenetic location: 12q13.2.
Variant type: Deletion.
Coding change: c.246del on transcript NM_002206.3 (MANE Select); coding-DNA position 246, one base deleted (G; older notation c.246delG).
Protein change: p.Gln83fs; shifts the reading frame from glutamine 83.
Molecular consequence: frameshift variant. On other transcripts: 5 prime UTR variant (3), intron variant (1).
Genome position (GRCh38, 1-based): chr12:55,703,139, C deleted on the plus strand (G on the coding strand, the reverse complement: ITGA7 is on the minus strand); the first of 3 consecutive C bases (chr12:55,703,139-55,703,141); deleting any one gives the same sequence. VCF-style (leftmost placement, unchanged base first): chr12-55703138-GC-G. GRCh37 (hg19) VCF-style: chr12-56096922-GC-G.
Other names: c.246del, p.Gln83fs (NM_001144996.2, NM_001374465.1, NM_001410977.1 and 6 more transcripts); c.-94del (NM_001367993.1, NM_001414035.1); c.-927del (NM_001367994.1); c.86-1723del (NM_001144997.2); short protein forms Q83fs.
Identifiers: ClinVar variation 4726824 (VCV004726824.1).
Genomic context (GRCh38, chr12:55,703,138, plus strand): 5'-AGTCAGTCTCCTCCAGGCTCAACGGGCAAGCGAAGAGGCCTCCAGTGCGATTCGCCTGCT[GC>G]CCAGGAAGAGCCAGGGCCTGGGGAGCACCCACCAGCAGCCTGCAAGATGGGGCAGGGGCA-3'